The following is an entry in ClinVar:

NM_019842.4(KCNQ5):c.282_291del (p.Ser95fs)

Genes: KCNQ5 (potassium voltage-gated channel subfamily Q member 5; plus strand), KCNQ5-DT (KCNQ5 divergent transcript; minus strand). Cytogenetic location: 6q13.
Variant type: Deletion.
Coding change: c.282_291del on transcript NM_019842.4 (MANE Select); coding-DNA positions 282 to 291, 10 bases deleted (CTCTTACACG; older notation c.282_291delCTCTTACACG).
Protein change: p.Ser95fs; shifts the reading frame from serine 95.
Molecular consequence: frameshift variant.
Genome position (GRCh38, 1-based): chr6:72,622,471-72,622,480, CTCTTACACG deleted. VCF-style (leftmost placement, unchanged base first): chr6-72622470-TCTCTTACACG-T. GRCh37 (hg19) VCF-style: chr6-73332198-TCTCTTACACG-T.
Other names: c.282_291del, p.Ser95fs (NM_001160130.2, NM_001160132.2, NM_001160133.2 and 1 more transcripts); short protein forms S95fs.
Identifiers: ClinVar variation 1361599 (VCV001361599.6), dbSNP rs2154471231, ClinGen allele CA2573141183.

ClinVar aggregate classification (germline): Pathogenic (1 of 4 stars; one submission).

Submission:

Labcorp Genetics (formerly Invitae), Labcorp
Classification: Pathogenic. Last evaluated: 2024-04-17. Review status: criteria provided, single submitter. Criteria: Invitae Variant Classification Sherloc (09022015). Collection method: clinical testing. Allele origin: germline.
Comment: This sequence change creates a premature translational stop signal (p.Ser95Valfs*44) in the KCNQ5 gene. It is expected to result in an absent or disrupted protein product. Loss-of-function variants in KCNQ5 are known to be pathogenic (PMID: 28669405, 35583973, 36088682). This variant is not present in population databases (gnomAD no frequency). This variant has not been reported in the literature in individuals affected with KCNQ5-related conditions. ClinVar contains an entry for this variant (Variation ID: 1361599). For these reasons, this variant has been classified as Pathogenic.

Literature cited by the submitters: PubMed 28669405; PubMed 35583973; PubMed 36088682.